The following is an entry in ClinVar:

NM_002417.5(MKI67):c.7820G>A (p.Arg2607His)

Gene: MKI67 (marker of proliferation Ki-67; minus strand). Cytogenetic location: 10q26.2.
Variant type: single nucleotide variant.
Coding change: c.7820G>A on transcript NM_002417.5 (MANE Select); coding-DNA position 7820, G replaced by A.
Protein change: p.Arg2607His; replaces arginine 2607 with histidine.
Molecular consequence: missense variant.
Genome position (GRCh38, 1-based): chr10:128,104,020, C>T on the plus strand (G>A on the coding strand, the complement: MKI67 is on the minus strand). VCF-style: chr10-128104020-C-T. GRCh37 (hg19) VCF-style: chr10-129902284-C-T.
Other names: c.6740G>A, p.Arg2247His (NM_001145966.2); short protein forms R2247H, R2607H.
Identifiers: ClinVar variation 2640964 (VCV002640964.24), dbSNP rs34688192, ClinGen allele CA5746113.

ClinVar aggregate classification (germline): Likely benign (1 of 4 stars; one submission).

Allele frequency attached by ClinVar (database versions not stated): ExAC 0.00089; 1000 Genomes Project 0.00200; 1000 Genomes Project 30x 0.00219; gnomAD 0.00266; TOPMed 0.00295; ESP Exome Variant Server 0.00315.
gnomAD v4.1: 841 of 1,613,990 alleles (0.052%); highest among the groups gnomAD compares: African/African-American, 0.93%; 6 homozygotes.

Submission:

CeGaT Center for Human Genetics Tuebingen
Classification: Likely benign. Last evaluated: 2022-12-01. Review status: criteria provided, single submitter. Criteria: CeGaT Center For Human Genetics Tuebingen Variant Classification Criteria Version 2. Collection method: clinical testing. Allele origin: germline. Affected: yes. Observed: 1 variant allele.
Comment: MKI67: BP4, BS2